The following is an entry in ClinVar:

NM_198578.4(LRRK2):c.7344T>G (p.Ile2448Met)

Gene: LRRK2 (leucine rich repeat kinase 2; plus strand). Cytogenetic location: 12q12.
Variant type: single nucleotide variant.
Coding change: c.7344T>G on transcript NM_198578.4 (MANE Select); coding-DNA position 7344, T replaced by G.
Protein change: p.Ile2448Met; replaces isoleucine 2448 with methionine.
Molecular consequence: missense variant.
Genome position (GRCh38, 1-based): chr12:40,365,004, T>G. VCF-style: chr12-40365004-T-G. GRCh37 (hg19) VCF-style: chr12-40758806-T-G.
Other names: short protein forms I2448M.
Identifiers: ClinVar variation 2624875 (VCV002624875.2), dbSNP rs1363606407, ClinGen allele CA384415249.

ClinVar aggregate classification (germline): Uncertain significance (1 of 4 stars; one submission).

Conditions:
Inborn genetic diseases. Identifiers: MedGen C0950123, MeSH D030342.

Allele frequency attached by ClinVar (database versions not stated): gnomAD 0.00001; gnomAD exomes 0.00001.
gnomAD v4.1: 21 of 1,612,480 alleles (0.0013%); highest among the groups gnomAD compares: Non-Finnish European, 0.0018%; no homozygotes.

Submission:

Ambry Genetics
Classification: Uncertain significance for Inborn genetic diseases. Last evaluated: 2023-06-24. Review status: criteria provided, single submitter. Criteria: Ambry Variant Classification Scheme 2023. Collection method: clinical testing. Allele origin: germline.
Comment: The p.I2448M variant (also known as c.7344T>G), located in coding exon 49 of the LRRK2 gene, results from a T to G substitution at nucleotide position 7344. The isoleucine at codon 2448 is replaced by methionine, an amino acid with highly similar properties. This amino acid position is conserved. In addition, this alteration is predicted to be tolerated by in silico analysis. Since supporting evidence is limited at this time, the clinical significance of this alteration remains unclear.